The following is an entry in ClinVar:

ClinVar aggregate classification (germline): Uncertain significance. Review status: criteria provided, multiple submitters, no conflicts (2 of 4 stars). 2 submissions from 2 submitters: Uncertain significance (2). Last evaluated 2025-10-04.

Conditions:
Inborn genetic diseases. Identifiers: MedGen C0950123, MeSH D030342.

Allele frequency attached by ClinVar (database versions not stated): gnomAD exomes 0.00008; ExAC 0.00009; TOPMed 0.00011; gnomAD 0.00009.
gnomAD v4.1: 126 of 1,612,528 alleles (0.0078%); highest among the groups gnomAD compares: Admixed American, 0.032%; no homozygotes.

Submissions (2):

Labcorp Genetics (formerly Invitae), Labcorp
Classification: Uncertain significance. Last evaluated: 2025-10-04. Review status: criteria provided, single submitter. Criteria: Invitae Variant Classification Sherloc (09022015). Collection method: clinical testing. Allele origin: germline.
Comment: This sequence change replaces isoleucine, which is neutral and non-polar, with methionine, which is neutral and non-polar, at codon 41 of the ELOVL5 protein (p.Ile41Met). This variant is present in population databases (rs199577202, gnomAD 0.04%), and has an allele count higher than expected for a pathogenic variant. This variant has not been reported in the literature in individuals affected with ELOVL5-related conditions. ClinVar contains an entry for this variant (Variation ID: 2849226). Invitae Evidence Modeling of protein sequence and biophysical properties (such as structural, functional, and spatial information, amino acid conservation, physicochemical variation, residue mobility, and thermodynamic stability) indicates that this missense variant is not expected to disrupt ELOVL5 protein function with a negative predictive value of 80%. In summary, the available evidence is currently insufficient to determine the role of this variant in disease. Therefore, it has been classified as a Variant of Uncertain Significance.

Ambry Genetics
Classification: Uncertain significance for Inborn genetic diseases. Last evaluated: 2021-07-26. Review status: criteria provided, single submitter. Criteria: Ambry Variant Classification Scheme 2023. Collection method: clinical testing. Allele origin: germline.

NM_021814.5(ELOVL5):c.123A>G (p.Ile41Met)

Gene: ELOVL5 (ELOVL fatty acid elongase 5; minus strand). Cytogenetic location: 6p12.1.
Variant type: single nucleotide variant.
Coding change: c.123A>G on transcript NM_021814.5 (MANE Select); coding-DNA position 123, A replaced by G.
Protein change: p.Ile41Met; replaces isoleucine 41 with methionine.
Molecular consequence: missense variant.
Genome position (GRCh38, 1-based): chr6:53,291,899, T>C on the plus strand (A>G on the coding strand, the complement: ELOVL5 is on the minus strand). VCF-style: chr6-53291899-T-C. GRCh37 (hg19) VCF-style: chr6-53156697-T-C.
Other names: c.123A>G (NM_001242828.1); c.123A>G, p.Ile41Met (NM_001242828.2, NM_001242830.2, NM_001301856.2); short protein forms I41M.
Identifiers: ClinVar variation 2849226 (VCV002849226.4), dbSNP rs199577202, ClinGen allele CA3859820.
Genomic context (GRCh38, chr6:53,291,899, plus strand): 5'-GCAAGAGAATGGCTGTTTATTCCTCATGTATTTTGGTCCCAGCCATACAATTAGTAAATA[T>C]ATGACAGAGCAGATAAATGTGGGTATATAATTGTCCAGAAGAAACCATCCTTTTACTCTA-3'
Protein context (NP_068586.1, residues 31-51): NYIPTFICSV[Ile41Met]YLLIVWLGPK